The following is an entry in ClinVar:

NM_052947.4(ALPK2):c.3661G>A (p.Glu1221Lys)

Genes: ALPK2 (alpha kinase 2; minus strand), LOC126862764 (BRD4-independent group 4 enhancer GRCh37_chr18:56202574-56203773; plus strand). Cytogenetic location: 18q21.31.
Variant type: single nucleotide variant.
Coding change: c.3661G>A on transcript NM_052947.4 (MANE Select); coding-DNA position 3661, G replaced by A.
Protein change: p.Glu1221Lys; replaces glutamic acid 1221 with lysine.
Molecular consequence: missense variant.
Genome position (GRCh38, 1-based): chr18:58,536,526, C>T on the plus strand (G>A on the coding strand, the complement: ALPK2 is on the minus strand). VCF-style: chr18-58536526-C-T. GRCh37 (hg19) VCF-style: chr18-56203758-C-T.
Other names: short protein forms E1221K.
Identifiers: ClinVar variation 1733698 (VCV001733698.3), dbSNP rs2518876160, ClinGen allele CA402566142.

ClinVar aggregate classification (germline): Uncertain significance (1 of 4 stars; one submission).

Allele frequency attached by ClinVar (database versions not stated): gnomAD exomes 0.00001.
gnomAD v4.1: 3 of 1,613,832 alleles (0.00019%); highest among the groups gnomAD compares: Non-Finnish European, 0.00025%; no homozygotes.

Submission:

Ambry Genetics
Classification: Uncertain significance. Last evaluated: 2024-10-20. Review status: criteria provided, single submitter. Criteria: Ambry Variant Classification Scheme 2023. Collection method: clinical testing. Allele origin: germline.
Comment: The p.E1221K variant (also known as c.3661G>A), located in coding exon 4 of the ALPK2 gene, results from a G to A substitution at nucleotide position 3661. The glutamic acid at codon 1221 is replaced by lysine, an amino acid with similar properties. This amino acid position is conserved. In addition, this alteration is predicted to be tolerated by in silico analysis. Since supporting evidence is limited at this time, the clinical significance of this alteration remains unclear.